The following is an entry in ClinVar:

NM_000496.3(CRYBB2):c.449+2T>C

Gene: CRYBB2 (crystallin beta B2; plus strand). Cytogenetic location: 22q11.23.
Variant type: single nucleotide variant.
Coding change: c.449+2T>C on transcript NM_000496.3 (MANE Select); the canonical splice donor site of the intron after coding-DNA position 449, T replaced by C.
Molecular consequence: splice donor variant.
Genome position (GRCh38, 1-based): chr22:25,229,580, T>C. VCF-style: chr22-25229580-T-C. GRCh37 (hg19) VCF-style: chr22-25625547-T-C.
Identifiers: ClinVar variation 3375888 (VCV003375888.1).

ClinVar aggregate classification (germline): Uncertain significance (1 of 4 stars; one submission).

Submission:

GeneDx
Classification: Uncertain significance. Last evaluated: 2024-05-06. Review status: criteria provided, single submitter. Criteria: GeneDx Variant Classification Process June 2021. Collection method: clinical testing. Allele origin: germline. Affected: yes.
Comment: Canonical splice site variant in a gene or region of a gene for which loss of function is not a well-established mechanism of disease; Not observed at significant frequency in large population cohorts (gnomAD); Has not been previously published as pathogenic or benign to our knowledge